The following is an entry in ClinVar:

NM_198407.2(GHSR):c.1044del (p.Ser349fs)

Gene: GHSR (growth hormone secretagogue receptor; minus strand). Cytogenetic location: 3q26.31.
Variant type: Deletion.
Coding change: c.1044del on transcript NM_198407.2 (MANE Select); coding-DNA position 1044, one base deleted (C; older notation c.1044delC).
Protein change: p.Ser349fs; shifts the reading frame from serine 349.
Molecular consequence: frameshift variant.
Genome position (GRCh38, 1-based): chr3:172,445,218, G deleted on the plus strand (C on the coding strand, the reverse complement: GHSR is on the minus strand). VCF-style (leftmost placement, unchanged base first): chr3-172445217-AG-A. GRCh37 (hg19) VCF-style: chr3-172163007-AG-A.
Other names: short protein forms S349fs.
Identifiers: ClinVar variation 2025005 (VCV002025005.4), dbSNP rs2473554170, ClinGen allele CA2580069083.

ClinVar aggregate classification (germline): Uncertain significance (1 of 4 stars; one submission).

Submission:

Labcorp Genetics (formerly Invitae), Labcorp
Classification: Uncertain significance. Last evaluated: 2022-08-19. Review status: criteria provided, single submitter. Criteria: Invitae Variant Classification Sherloc (09022015). Collection method: clinical testing. Allele origin: germline.
Comment: This variant has not been reported in the literature in individuals affected with GHSR-related conditions. This variant is not present in population databases (gnomAD no frequency). This sequence change creates a premature translational stop signal (p.Ser349Profs*3) in the GHSR gene. While this is not anticipated to result in nonsense mediated decay, it is expected to disrupt the last 18 amino acid(s) of the GHSR protein. In summary, the available evidence is currently insufficient to determine the role of this variant in disease. Therefore, it has been classified as a Variant of Uncertain Significance. Experimental studies and prediction algorithms are not available or were not evaluated, and the functional significance of this variant is currently unknown.